The following is an entry in ClinVar:

ClinVar aggregate classification (germline): Likely pathogenic (0 of 4 stars; one submission).

Conditions:
Pure mitochondrial myopathy. Identifiers: Orphanet 254854, MedGen C4517289, MONDO:0016807.

Submission:

Solve-RD Consortium
Classification: Likely pathogenic for Pure mitochondrial myopathy. Last evaluated: 2022-06-01. Review status: no assertion criteria provided. Collection method: provider interpretation. Allele origin: maternal. Affected: yes.
Comment: Variant confirmed as disease-causing by referring clinical team

Variant identified during reanalysis of unsolved cases by the Solve-RD project. The Solve-RD project has received funding from the European Union’s Horizon 2020 research and innovation programme under grant agreement No 779257.

Literature cited by the submitters: PubMed 39825153.

NC_012920.1(MT-TN):m.5698G>A

Gene: MT-TN (mitochondrially encoded tRNA asparagine; minus strand).
Variant type: single nucleotide variant.
Genome position: chrM-5698-G-A.
Identifiers: ClinVar variation 3338063 (VCV003338063.1).
Genomic context (GRCh38, chrMT:5,698, plus strand): 5'-TAATTAAGCTAAGCCCTTACTAGACCAATGGGACTTAAACCCACAAACACTTAGTTAACA[G>A]CTAAGCACCCTAATCAACTGGCTTCAATCTACTTCTCCCGCCGCCGGGAAAAAAGGCGGG-3'